The following is an entry in ClinVar:

ClinVar aggregate classification (germline): Likely pathogenic (1 of 4 stars; one submission).

Conditions:
Cohen syndrome (COH1). Also called: Cutis verticis gyrata, retinitis pigmentosa, and sensorineural deafness; PEPPER SYNDROME. Identifiers: Orphanet 193, MedGen C0265223, MONDO:0008999, OMIM 216550.

Allele frequency attached by ClinVar (database versions not stated): gnomAD exomes 0.00001.
gnomAD v4.1: 3 of 1,612,258 alleles (0.00019%); highest among the groups gnomAD compares: African/African-American, 0.004%; no homozygotes.

Submission:

Labcorp Genetics (formerly Invitae), Labcorp
Classification: Likely pathogenic for Cohen syndrome. Last evaluated: 2022-10-03. Review status: criteria provided, single submitter. Criteria: Invitae Variant Classification Sherloc (09022015). Collection method: clinical testing. Allele origin: germline.
Comment: In summary, the currently available evidence indicates that the variant is pathogenic, but additional data are needed to prove that conclusively. Therefore, this variant has been classified as Likely Pathogenic. Algorithms developed to predict the effect of sequence changes on RNA splicing suggest that this variant may disrupt the consensus splice site. This variant has not been reported in the literature in individuals affected with VPS13B-related conditions. This variant is present in population databases (no rsID available, gnomAD 0.007%). This sequence change affects an acceptor splice site in intron 6 of the VPS13B gene. It is expected to disrupt RNA splicing. Variants that disrupt the donor or acceptor splice site typically lead to a loss of protein function (PMID: 16199547), and loss-of-function variants in VPS13B are known to be pathogenic (PMID: 15141358, 16648375, 20461111).

Literature cited by the submitters: PubMed 16199547; PubMed 15141358; PubMed 16648375; PubMed 20461111.

NM_152564.5(VPS13B):c.763-1G>T

Gene: VPS13B (vacuolar protein sorting 13 homolog B; plus strand). Cytogenetic location: 8q22.2.
Variant type: single nucleotide variant.
Coding change: c.763-1G>T on transcript NM_152564.5 (MANE Select); the canonical splice acceptor site of the intron before coding-DNA position 763, G replaced by T.
Molecular consequence: splice acceptor variant.
Genome position (GRCh38, 1-based): chr8:99,115,699, G>T. VCF-style: chr8-99115699-G-T. GRCh37 (hg19) VCF-style: chr8-100127927-G-T.
Other names: c.763-1G>T (NM_017890.5, NM_015243.3, NM_181661.3).
Identifiers: ClinVar variation 1974864 (VCV001974864.5), dbSNP rs1255440756, ClinGen allele CA371860341.